The following is an entry in ClinVar:

ClinVar aggregate classification (germline): Uncertain significance. Review status: criteria provided, multiple submitters, no conflicts (2 of 4 stars). 2 submissions from 2 submitters: Uncertain significance (2). Last evaluated 2023-03-17.

Allele frequency attached by ClinVar (database versions not stated): gnomAD exomes 0.00001.
gnomAD v4.1: 3 of 1,613,732 alleles (0.00019%); highest among the groups gnomAD compares: Admixed American, 0.0033%; no homozygotes.

Submissions (2):

Labcorp Genetics (formerly Invitae), Labcorp
Classification: Uncertain significance. Last evaluated: 2023-03-17. Review status: criteria provided, single submitter. Criteria: Invitae Variant Classification Sherloc (09022015). Collection method: clinical testing. Allele origin: germline.
Comment: In summary, the available evidence is currently insufficient to determine the role of this variant in disease. Therefore, it has been classified as a Variant of Uncertain Significance. Advanced modeling of protein sequence and biophysical properties (such as structural, functional, and spatial information, amino acid conservation, physicochemical variation, residue mobility, and thermodynamic stability) performed at Invitae indicates that this missense variant is not expected to disrupt TBCD protein function. This variant has not been reported in the literature in individuals affected with TBCD-related conditions. This variant is present in population databases (no rsID available, gnomAD 0.003%). This sequence change replaces methionine, which is neutral and non-polar, with valine, which is neutral and non-polar, at codon 250 of the TBCD protein (p.Met250Val).

GeneDx
Classification: Uncertain significance. Last evaluated: 2022-11-02. Review status: criteria provided, single submitter. Criteria: GeneDx Variant Classification Process June 2021. Collection method: clinical testing. Allele origin: germline. Affected: yes.
Comment: In silico analysis supports that this missense variant does not alter protein structure/function; Has not been previously published as pathogenic or benign to our knowledge

NM_005993.5(TBCD):c.748A>G (p.Met250Val)

Gene: TBCD (tubulin folding cofactor D). Cytogenetic location: 17q25.3.
Variant type: single nucleotide variant.
Coding change: c.748A>G on transcript NM_005993.5 (MANE Select); coding-DNA position 748, A replaced by G.
Protein change: p.Met250Val; replaces methionine 250 with valine.
Molecular consequence: missense variant.
Genome position (GRCh38, 1-based): chr17:82,781,698, A>G. VCF-style: chr17-82781698-A-G. GRCh37 (hg19) VCF-style: chr17-80739574-A-G.
Other names: c.697A>G, p.Met233Val (NM_001411101.1); c.748A>G, p.Met250Val (NM_001411102.1); short protein forms M233V, M250V.
Identifiers: ClinVar variation 2501397 (VCV002501397.4), dbSNP rs1218920095, ClinGen allele CA401631803.
Genomic context (GRCh38, chr17:82,781,698, plus strand): 5'-GACTGGAGCCTGTGCAATCTGGCCCGTTCCTCCTTCCAGACCATGCAGGGGGTCATCACC[A>G]TGGATGGGACGCTGCAGGCCCTGGTAAGTGCTGCCCGCAGGGGCTGTGGAGATCGCAGGG-3'
Protein context (NP_005984.3, residues 240-260): SFQTMQGVIT[Met250Val]DGTLQALAQI